The following is an entry in ClinVar:

ClinVar aggregate classification (germline): Uncertain significance (1 of 4 stars; one submission).

Submission:

GeneDx
Classification: Uncertain significance. Last evaluated: 2023-07-16. Review status: criteria provided, single submitter. Criteria: GeneDx Variant Classification Process June 2021. Collection method: clinical testing. Allele origin: germline. Affected: yes.
Comment: Not observed at significant frequency in large population cohorts (gnomAD); In silico analysis supports that this missense variant does not alter protein structure/function; Has not been previously published as pathogenic or benign to our knowledge

NM_001009999.3(KDM1A):c.1180G>A (p.Val394Ile)

Gene: KDM1A (lysine demethylase 1A; plus strand). Cytogenetic location: 1p36.12.
Variant type: single nucleotide variant.
Coding change: c.1180G>A on transcript NM_001009999.3 (MANE Select); coding-DNA position 1180, G replaced by A.
Protein change: p.Val394Ile; replaces valine 394 with isoleucine.
Molecular consequence: missense variant.
Genome position (GRCh38, 1-based): chr1:23,068,539, G>A. VCF-style: chr1-23068539-G-A. GRCh37 (hg19) VCF-style: chr1-23395032-G-A.
Other names: c.1108G>A, p.Val370Ile (NM_001363654.2, NM_001410763.1, NM_015013.4); c.1168G>A, p.Val390Ile (NM_001410762.1); short protein forms V370I, V390I, V394I.
Identifiers: ClinVar variation 3361140 (VCV003361140.1).